The following is an entry in ClinVar:

ClinVar aggregate classification (germline): Pathogenic (1 of 4 stars; one submission).

Conditions:
CHARGE syndrome (CHARGE). Also called: Hittner Hirsch Kreh syndrome; CHARGE ASSOCIATION--COLOBOMA, HEART ANOMALY, CHOANAL ATRESIA, RETARDATION, GENITAL AND EAR ANOMALIES; Coloboma, heart anomaly, choanal atresia, retardation, genital and ear anomalies; CHARGE association; Hall-Hittner syndrome. Identifiers: Orphanet 138, MedGen C0265354, MONDO:0008965.

Submission:

Labcorp Genetics (formerly Invitae), Labcorp
Classification: Pathogenic for CHARGE syndrome. Last evaluated: 2022-03-26. Review status: criteria provided, single submitter. Criteria: Invitae Variant Classification Sherloc (09022015). Collection method: clinical testing. Allele origin: germline.
Comment: This variant has not been reported in the literature in individuals affected with CHD7-related conditions. For these reasons, this variant has been classified as Pathogenic. This variant is not present in population databases (gnomAD no frequency). This sequence change creates a premature translational stop signal (p.Ser1583Leufs*57) in the CHD7 gene. It is expected to result in an absent or disrupted protein product. Loss-of-function variants in CHD7 are known to be pathogenic (PMID: 22461308, 25077900).

Literature cited by the submitters: PubMed 22461308; PubMed 25077900.

NM_017780.4(CHD7):c.4747del (p.Ser1583fs)

Gene: CHD7 (chromodomain helicase DNA binding protein 7; plus strand). Cytogenetic location: 8q12.2.
Variant type: Deletion.
Coding change: c.4747del on transcript NM_017780.4 (MANE Select); coding-DNA position 4747, one base deleted (T; older notation c.4747delT).
Protein change: p.Ser1583fs; shifts the reading frame from serine 1583.
Molecular consequence: frameshift variant. On other transcripts: intron variant (1).
Genome position (GRCh38, 1-based): chr8:60,841,949, T deleted; the last of 2 consecutive T bases (chr8:60,841,948-60,841,949); deleting either gives the same sequence. VCF-style (leftmost placement, unchanged base first): chr8-60841947-AT-A. GRCh37 (hg19) VCF-style: chr8-61754506-AT-A.
Other names: c.1717-20280del (NM_001316690.1); short protein forms S1583fs.
Identifiers: ClinVar variation 2117205 (VCV002117205.4), dbSNP rs2487946980, ClinGen allele CA2580078433.